The following is an entry in ClinVar:

ClinVar aggregate classification (germline): Uncertain significance (1 of 4 stars; one submission).

Submission:

GeneDx
Classification: Uncertain significance. Last evaluated: 2024-04-08. Review status: criteria provided, single submitter. Criteria: GeneDx Variant Classification Process June 2021. Collection method: clinical testing. Allele origin: germline. Affected: yes.
Comment: Not observed at significant frequency in large population cohorts (gnomAD); In silico analysis indicates that this missense variant does not alter protein structure/function; Has not been previously published as pathogenic or benign to our knowledge

NM_001042603.3(KDM5A):c.3848T>C (p.Met1283Thr)

Genes: KDM5A (lysine demethylase 5A; minus strand), LOC126861410 (BRD4-independent group 4 enhancer GRCh37_chr12:415875-417074; plus strand). Cytogenetic location: 12p13.33.
Variant type: single nucleotide variant.
Coding change: c.3848T>C on transcript NM_001042603.3 (MANE Select); coding-DNA position 3848, T replaced by C.
Protein change: p.Met1283Thr; replaces methionine 1283 with threonine.
Molecular consequence: missense variant.
Genome position (GRCh38, 1-based): chr12:307,536, A>G on the plus strand (T>C on the coding strand, the complement: KDM5A is on the minus strand). VCF-style: chr12-307536-A-G. GRCh37 (hg19) VCF-style: chr12-416702-A-G.
Other names: short protein forms M1283T.
Identifiers: ClinVar variation 3371088 (VCV003371088.1).